The following is an entry in ClinVar:

NM_030662.4(MAP2K2):c.1047-140_1047-139insG

Gene: MAP2K2 (mitogen-activated protein kinase kinase 2; minus strand). Cytogenetic location: 19p13.3.
Variant type: Insertion.
Coding change: c.1047-140_1047-139insG on transcript NM_030662.4 (MANE Select); 140 bases into the intron before coding-DNA position 1047 through 139 bases into the intron before coding-DNA position 1047, G inserted.
Molecular consequence: intron variant.
Genome position: GRCh38 VCF-style: chr19-4094637-G-GC. GRCh37 (hg19) VCF-style: chr19-4094635-G-GC.
Identifiers: ClinVar variation 561451 (VCV000561451.1), dbSNP rs151175043, ClinGen allele CA304447199.

ClinVar aggregate classification (germline): Benign (1 of 4 stars; one submission).

Allele frequency attached by ClinVar (database versions not stated): gnomAD exomes 0.00214; 1000 Genomes Project 0.01757; gnomAD 0.01864 and 0.02010; 1000 Genomes Project 30x 0.01874; TOPMed 0.02092.

Submission:

GeneDx
Classification: Benign. Last evaluated: 2018-06-14. Review status: criteria provided, single submitter. Criteria: GeneDx Variant Classification (06012015). Collection method: clinical testing. Allele origin: germline. Affected: yes.
Comment: This variant is considered likely benign or benign based on one or more of the following criteria: it is a conservative change, it occurs at a poorly conserved position in the protein, it is predicted to be benign by multiple in silico algorithms, and/or has population frequency not consistent with disease.